The following is an entry in ClinVar:

NM_004564.3(GATB):c.186A>T (p.Lys62Asn)

Gene: GATB (glutamyl-tRNA amidotransferase subunit B; minus strand). Cytogenetic location: 4q31.3.
Variant type: single nucleotide variant.
Coding change: c.186A>T on transcript NM_004564.3 (MANE Select); coding-DNA position 186, A replaced by T.
Protein change: p.Lys62Asn; replaces lysine 62 with asparagine.
Molecular consequence: missense variant.
Genome position (GRCh38, 1-based): chr4:151,758,913, T>A on the plus strand (A>T on the coding strand, the complement: GATB is on the minus strand). VCF-style: chr4-151758913-T-A. GRCh37 (hg19) VCF-style: chr4-152680065-T-A.
Other names: c.186A>T, p.Lys62Asn (NM_001363341.2); short protein forms K62N.
Identifiers: ClinVar variation 1711598 (VCV001711598.31), dbSNP rs149029159, ClinGen allele CA3105975.

ClinVar aggregate classification (germline): Likely benign. Review status: criteria provided, multiple submitters, no conflicts (2 of 4 stars). 2 submissions from 2 submitters: Likely benign (2). Last evaluated 2026-02-01.

Allele frequency attached by ClinVar (database versions not stated): TOPMed 0.00002; ESP Exome Variant Server 0.00008; gnomAD 0.00021; gnomAD exomes 0.00032; ExAC 0.00066; 1000 Genomes Project 0.00160; 1000 Genomes Project 30x 0.00172.
gnomAD v4.1: 499 of 1,603,182 alleles (0.031%); highest among the groups gnomAD compares: South Asian, 0.5%; 4 homozygotes.

Submissions (2):

CeGaT Center for Human Genetics Tuebingen
Classification: Likely benign. Last evaluated: 2026-02-01. Review status: criteria provided, single submitter. Criteria: CeGaT Center For Human Genetics Tuebingen Variant Classification Criteria Version 2. Collection method: clinical testing. Allele origin: germline. Affected: yes. Observed: 2 variant alleles.
Comment: GATB: BP4

Laboratory of Genetics, Children's Clinical University Hospital Latvia
Classification: Likely benign. Last evaluated: 2025-02-16. Review status: criteria provided, single submitter. Criteria: ACMG Guidelines, 2015. Collection method: clinical testing. Allele origin: germline. Affected: yes.